The following is an entry in ClinVar:

ClinVar aggregate classification (germline): Likely benign. Review status: criteria provided, multiple submitters, no conflicts (2 of 4 stars). 3 submissions from 3 submitters: Likely benign (3). Last evaluated 2025-01-13.

Conditions:
Cardiovascular phenotype. Identifiers: MedGen CN230736.
Autosomal recessive limb-girdle muscular dystrophy type 2J (LGMDR10). Also called: MUSCULAR DYSTROPHY, LIMB-GIRDLE, AUTOSOMAL RECESSIVE 10; Limb-girdle muscular dystrophy, type 2J. Identifiers: Orphanet 140922, MedGen C1837342, MONDO:0012127, OMIM 608807.
Dilated cardiomyopathy 1G (CMD1G). Identifiers: Orphanet 154, MedGen C1858763, MONDO:0011400, OMIM 604145.

Allele frequency attached by ClinVar (database versions not stated): gnomAD 0.00001.
gnomAD v4.1: 24 of 1,613,128 alleles (0.0015%); highest among the groups gnomAD compares: Non-Finnish European, 0.002%; no homozygotes.

Submissions (3):

Ambry Genetics
Classification: Likely benign for Cardiovascular phenotype. Last evaluated: 2025-01-13. Review status: criteria provided, single submitter. Criteria: Ambry Variant Classification Scheme 2023. Collection method: clinical testing. Allele origin: germline.

Labcorp Genetics (formerly Invitae), Labcorp
Classification: Likely benign for Dilated cardiomyopathy 1G; Autosomal recessive limb-girdle muscular dystrophy type 2J. Last evaluated: 2023-10-13. Review status: criteria provided, single submitter. Criteria: Invitae Variant Classification Sherloc (09022015). Collection method: clinical testing. Allele origin: germline.

GeneDx
Classification: Likely benign. Last evaluated: 2018-02-13. Review status: criteria provided, single submitter. Criteria: GeneDx Variant Classification (06012015). Collection method: clinical testing. Allele origin: germline. Affected: yes.
Comment: This variant is considered likely benign or benign based on one or more of the following criteria: it is a conservative change, it occurs at a poorly conserved position in the protein, it is predicted to be benign by multiple in silico algorithms, and/or has population frequency not consistent with disease.

NM_001267550.2(TTN):c.84591C>T (p.Ser28197=)

Genes: TTN (titin; minus strand), TTN-AS1 (TTN antisense RNA 1; plus strand). Cytogenetic location: 2q31.2.
Variant type: single nucleotide variant.
Coding change: c.84591C>T on transcript NM_001267550.2 (MANE Select); coding-DNA position 84591, C replaced by T.
Protein change: p.Ser28197=; no amino-acid change (serine 28197 retained).
Molecular consequence: synonymous variant.
Genome position (GRCh38, 1-based): chr2:178,561,541, G>A on the plus strand (C>T on the coding strand, the complement: TTN is on the minus strand). VCF-style: chr2-178561541-G-A. GRCh37 (hg19) VCF-style: chr2-179426268-G-A.
Other names: c.79668C>T, p.Ser26556= (NM_001256850.1); c.57396C>T, p.Ser19132= (NM_003319.4); c.76887C>T, p.Ser25629= (NM_133378.4); c.57771C>T, p.Ser19257= (NM_133432.3); c.57972C>T, p.Ser19324= (NM_133437.4).
Identifiers: ClinVar variation 515538 (VCV000515538.5), dbSNP rs781670887, ClinGen allele CA1988765.
Genomic context (GRCh38, chr2:178,561,541, plus strand): 5'-GGAGACTTTCATTTGAGTATCAGCAATGAGGATTTTATTTGCTTTTGACCAAAGAATGCT[G>A]CTTCTTTCTTTATACTCAAGATGATAGCCAATTACTCGACTTCCTCCATCATTAACTGGC-3'
Protein context (NP_001254479.2, residues 28187-28207): IGYHLEYKER[Ser28197=]SILWSKANKI